The following is an entry in ClinVar:

NM_002900.3(RBP3):c.2074G>T (p.Glu692Ter)

Gene: RBP3 (retinol binding protein 3; plus strand). Cytogenetic location: 10q11.22.
Variant type: single nucleotide variant.
Coding change: c.2074G>T on transcript NM_002900.3 (MANE Select); coding-DNA position 2074, G replaced by T.
Protein change: p.Glu692Ter; replaces glutamic acid 692 with a stop codon.
Molecular consequence: nonsense.
Genome position (GRCh38, 1-based): chr10:47,350,558, G>T. VCF-style: chr10-47350558-G-T. GRCh37 (hg19) VCF-style: chr10-48388804-C-A.
Other names: short protein forms E692*.
Identifiers: ClinVar variation 1069188 (VCV001069188.9), dbSNP rs150902800, ClinGen allele CA206464210.

ClinVar aggregate classification (germline): Pathogenic/Likely pathogenic. Review status: criteria provided, multiple submitters, no conflicts (2 of 4 stars). 3 submissions from 3 submitters: Pathogenic (2); Likely pathogenic (1). Last evaluated 2026-03-21.

Conditions:
RBP3-related disorder. Also called: RBP3-related condition.

gnomAD v4.1: 17 of 1,612,942 alleles (0.0011%); highest among the groups gnomAD compares: Non-Finnish European, 0.0014%; no homozygotes.

Submissions (3):

GeneDx
Classification: Pathogenic. Last evaluated: 2026-03-21. Review status: criteria provided, single submitter. Criteria: GeneDx Variant Classification Process June 2021. Collection method: clinical testing. Allele origin: germline.
Comment: Nonsense variant predicted to result in protein truncation or nonsense mediated decay in a gene for which loss of function is a known mechanism of disease; Not observed at significant frequency in large population cohorts (gnomAD); This variant is associated with the following publications: (PMID: 9614228, 25766589, 23105016, 38927562)

Labcorp Genetics (formerly Invitae), Labcorp
Classification: Pathogenic. Last evaluated: 2026-01-28. Review status: criteria provided, single submitter. Criteria: Invitae Variant Classification Sherloc (09022015). Collection method: clinical testing. Allele origin: germline.
Comment: This sequence change creates a premature translational stop signal (p.Glu692*) in the RBP3 gene. It is expected to result in an absent or disrupted protein product. Loss-of-function variants in RBP3 are known to be pathogenic (PMID: 9614228, 23105016, 25766589). This variant is not present in population databases (gnomAD no frequency). This variant has not been reported in the literature in individuals affected with RBP3-related conditions. ClinVar contains an entry for this variant (Variation ID: 1069188). For these reasons, this variant has been classified as Pathogenic.

Blueprint Genetics
Classification: Likely pathogenic for RBP3-related disorders. Last evaluated: 2020-01-28. Review status: criteria provided, single submitter. Criteria: ACMG Guidelines, 2015. Collection method: clinical testing. Allele origin: germline. Affected: yes. Observed: 2 variant alleles.

Literature cited by the submitters: PubMed 9614228 (cited by Labcorp Genetics (formerly Invitae), Labcorp); PubMed 23105016 (cited by Labcorp Genetics (formerly Invitae), Labcorp); PubMed 25766589 (cited by Labcorp Genetics (formerly Invitae), Labcorp).